The following is an entry in ClinVar:

ClinVar aggregate classification (germline): Uncertain significance (1 of 4 stars; one submission).

gnomAD v4.1: 9 of 1,614,174 alleles (0.00056%); highest among the groups gnomAD compares: Non-Finnish European, 0.00076%; no homozygotes.

Submission:

Mayo Clinic Laboratories, Mayo Clinic
Classification: Uncertain significance. Last evaluated: 2024-04-15. Review status: criteria provided, single submitter. Criteria: ACMG Guidelines, 2015. Collection method: clinical testing. Allele origin: germline. Observed: 1 variant allele.
Comment: PM2_moderate

NM_024884.3(L2HGDH):c.380A>G (p.Lys127Arg)

Gene: L2HGDH (L-2-hydroxyglutarate dehydrogenase; minus strand). Cytogenetic location: 14q21.3.
Variant type: single nucleotide variant.
Coding change: c.380A>G on transcript NM_024884.3 (MANE Select); coding-DNA position 380, A replaced by G.
Protein change: p.Lys127Arg; replaces lysine 127 with arginine.
Molecular consequence: missense variant. On other transcripts: 5 prime UTR variant (4).
Genome position (GRCh38, 1-based): chr14:50,302,045, T>C on the plus strand (A>G on the coding strand, the complement: L2HGDH is on the minus strand). VCF-style: chr14-50302045-T-C. GRCh37 (hg19) VCF-style: chr14-50768763-T-C.
Other names: p.Lys127Arg; c.380A>G, p.Lys127Arg (NM_001425212.1); c.269A>G, p.Lys90Arg (NM_001425213.1, NM_001425214.1); c.-246A>G (NM_001425215.1, NM_001425218.1); c.-167A>G (NM_001425216.1); c.-324A>G (NM_001425217.1); short protein forms K127R, K90R.
Identifiers: ClinVar variation 3380191 (VCV003380191.1).